The following is an entry in ClinVar:

NM_000057.4(BLM):c.2288T>A (p.Leu763Gln)

Gene: BLM (BLM RecQ like helicase; plus strand). Cytogenetic location: 15q26.1.
Variant type: single nucleotide variant.
Coding change: c.2288T>A on transcript NM_000057.4 (MANE Select); coding-DNA position 2288, T replaced by A.
Protein change: p.Leu763Gln; replaces leucine 763 with glutamine.
Molecular consequence: missense variant.
Genome position (GRCh38, 1-based): chr15:90,767,004, T>A. VCF-style: chr15-90767004-T-A. GRCh37 (hg19) VCF-style: chr15-91310234-T-A.
Other names: c.2288T>A, p.Leu763Gln (NM_001287246.2, NM_001287247.2); c.1163T>A, p.Leu388Gln (NM_001287248.2); short protein forms L388Q, L763Q.
Identifiers: ClinVar variation 2835105 (VCV002835105.3), dbSNP rs2505447487, ClinGen allele CA393844966.

ClinVar aggregate classification (germline): Uncertain significance (1 of 4 stars; one submission).

Conditions:
Bloom syndrome (BLM). Also called: Bloom-Torre-Machacek syndrome. Identifiers: Orphanet 125, MedGen C0005859, MONDO:0008876, OMIM 210900.

Submission:

Labcorp Genetics (formerly Invitae), Labcorp
Classification: Uncertain significance for Bloom syndrome. Last evaluated: 2023-02-07. Review status: criteria provided, single submitter. Criteria: Invitae Variant Classification Sherloc (09022015). Collection method: clinical testing. Allele origin: germline.
Comment: This sequence change replaces leucine, which is neutral and non-polar, with glutamine, which is neutral and polar, at codon 763 of the BLM protein (p.Leu763Gln). This variant is not present in population databases (gnomAD no frequency). This variant has not been reported in the literature in individuals affected with BLM-related conditions. Advanced modeling of protein sequence and biophysical properties (such as structural, functional, and spatial information, amino acid conservation, physicochemical variation, residue mobility, and thermodynamic stability) performed at Invitae indicates that this missense variant is expected to disrupt BLM protein function. In summary, the available evidence is currently insufficient to determine the role of this variant in disease. Therefore, it has been classified as a Variant of Uncertain Significance.